The following is an entry in ClinVar:

ClinVar aggregate classification (germline): Pathogenic. Review status: criteria provided, multiple submitters, no conflicts (2 of 4 stars). 3 submissions from 3 submitters: Pathogenic (3). Last evaluated 2025-09-03.

Conditions:
Familial adenomatous polyposis 4 (FAP4). Also called: MSH3-related attenuated familial adenomatous polyposis. Identifiers: Orphanet 480536, MedGen C4310719, MONDO:0044300, OMIM 617100.
Hereditary cancer-predisposing syndrome. Also called: Hereditary Cancer Syndrome; Tumor predisposition; Hereditary neoplastic syndrome; Neoplastic Syndromes, Hereditary. Identifiers: Orphanet 140162, MedGen C0027672, MeSH D009386, MONDO:0015356.

Submissions (3):

Labcorp Genetics (formerly Invitae), Labcorp
Classification: Pathogenic. Last evaluated: 2025-09-03. Review status: criteria provided, single submitter. Criteria: Invitae Variant Classification Sherloc (09022015). Collection method: clinical testing. Allele origin: germline.
Comment: This sequence change creates a premature translational stop signal (p.Asn739Lysfs*29) in the MSH3 gene. It is expected to result in an absent or disrupted protein product. Loss-of-function variants in MSH3 are known to be pathogenic (PMID: 27476653, 37402566). This variant is not present in population databases (gnomAD no frequency). This variant has not been reported in the literature in individuals affected with MSH3-related conditions. ClinVar contains an entry for this variant (Variation ID: 647193). For these reasons, this variant has been classified as Pathogenic.

Ambry Genetics
Classification: Pathogenic for Hereditary cancer-predisposing syndrome. Last evaluated: 2025-05-08. Review status: criteria provided, single submitter. Criteria: Ambry Variant Classification Scheme 2023. Collection method: clinical testing. Allele origin: germline.
Comment: The c.2216dupA pathogenic mutation, located in coding exon 15 of the MSH3 gene, results from a duplication of A at nucleotide position 2216, causing a translational frameshift with a predicted alternate stop codon (p.N739Kfs*29). This variant is considered to be rare based on population cohorts in the Genome Aggregation Database (gnomAD). This alteration is expected to result in loss of function by premature protein truncation or nonsense-mediated mRNA decay. As such, this alteration is interpreted as a disease-causing mutation.

Myriad Genetics, Inc.
Classification: Pathogenic for Familial adenomatous polyposis 4. Last evaluated: 2023-08-30. Review status: criteria provided, single submitter. Criteria: Myriad Autosomal Dominant, Autosomal Recessive and X-Linked Classification Criteria (2023). Collection method: clinical testing. Allele origin: unknown.
Comment: This variant is considered pathogenic. This variant creates a frameshift predicted to result in premature protein truncation.

Literature cited by the submitters: PubMed 27476653 (cited by Labcorp Genetics (formerly Invitae), Labcorp); PubMed 37402566 (cited by Labcorp Genetics (formerly Invitae), Labcorp).

NM_002439.5(MSH3):c.2216dup (p.Asn739fs)

Gene: MSH3 (mutS homolog 3; plus strand). Cytogenetic location: 5q14.1.
Variant type: Duplication.
Coding change: c.2216dup on transcript NM_002439.5 (MANE Select); coding-DNA position 2216, one base duplicated (A; older notation c.2216dupA).
Protein change: p.Asn739fs; shifts the reading frame from asparagine 739.
Molecular consequence: frameshift variant.
Genome position (GRCh38, 1-based): chr5:80,768,966, A duplicated; the last of 6 consecutive A bases (chr5:80,768,961-80,768,966); duplicating any one gives the same sequence. VCF-style (leftmost placement, unchanged base first): chr5-80768960-T-TA. GRCh37 (hg19) VCF-style: chr5-80064779-T-TA.
Other names: c.2216dupA (NM_002439.4, NM_002439.3); short protein forms N739fs.
Identifiers: ClinVar variation 647193 (VCV000647193.10), dbSNP rs1580035033, ClinGen allele CA915943403.